The following is an entry in ClinVar:

NM_173728.4(ARHGEF15):c.899A>T (p.Asp300Val)

Gene: ARHGEF15 (Rho guanine nucleotide exchange factor 15; plus strand). Cytogenetic location: 17p13.1.
Variant type: single nucleotide variant.
Coding change: c.899A>T on transcript NM_173728.4 (MANE Select); coding-DNA position 899, A replaced by T.
Protein change: p.Asp300Val; replaces aspartic acid 300 with valine.
Molecular consequence: missense variant.
Genome position (GRCh38, 1-based): chr17:8,313,219, A>T. VCF-style: chr17-8313219-A-T. GRCh37 (hg19) VCF-style: chr17-8216537-A-T.
Other names: c.899A>T, p.Asp300Val (NM_025014.2); short protein forms D300V.
Identifiers: ClinVar variation 1382318 (VCV001382318.7), dbSNP rs2151636694, ClinGen allele CA398017948.

ClinVar aggregate classification (germline): Uncertain significance (1 of 4 stars; one submission).

Conditions:
Early-infantile DEE. Also called: Early infantile epileptic encephalopathy with suppression bursts; Early infantile epileptic encephalopathy; Ohtahara syndrome. Identifiers: Orphanet 1934, MedGen C0393706, MONDO:0800491.

Submission:

Labcorp Genetics (formerly Invitae), Labcorp
Classification: Uncertain significance for Early-infantile DEE. Last evaluated: 2021-09-19. Review status: criteria provided, single submitter. Criteria: Invitae Variant Classification Sherloc (09022015). Collection method: clinical testing. Allele origin: germline.
Comment: This sequence change replaces aspartic acid with valine at codon 300 of the ARHGEF15 protein (p.Asp300Val). The aspartic acid residue is highly conserved and there is a large physicochemical difference between aspartic acid and valine. This variant is not present in population databases (ExAC no frequency). This variant has not been reported in the literature in individuals affected with ARHGEF15-related conditions. Algorithms developed to predict the effect of missense changes on protein structure and function are either unavailable or do not agree on the potential impact of this missense change (SIFT: "Deleterious"; PolyPhen-2: "Benign"; Align-GVGD: "Class C0"). In summary, the available evidence is currently insufficient to determine the role of this variant in disease. Therefore, it has been classified as a Variant of Uncertain Significance.